The following is an entry in ClinVar:

NM_017633.3(TENT5A):c.32C>G (p.Ser11Cys)

Gene: TENT5A (terminal nucleotidyltransferase 5A; minus strand). Cytogenetic location: 6q14.1.
Variant type: single nucleotide variant.
Coding change: c.32C>G on transcript NM_017633.3 (MANE Select); coding-DNA position 32, C replaced by G.
Protein change: p.Ser11Cys; replaces serine 11 with cysteine.
Molecular consequence: missense variant.
Genome position (GRCh38, 1-based): chr6:81,752,110, G>C on the plus strand (C>G on the coding strand, the complement: TENT5A is on the minus strand). VCF-style: chr6-81752110-G-C. GRCh37 (hg19) VCF-style: chr6-82461827-G-C.
Other names: short protein forms S11C.
Identifiers: ClinVar variation 2176997 (VCV002176997.1), dbSNP rs750122427, ClinGen allele CA3903114.

ClinVar aggregate classification (germline): Uncertain significance (1 of 4 stars; one submission).

Allele frequency attached by ClinVar (database versions not stated): gnomAD exomes below 0.00001; gnomAD 0.00001; ExAC 0.00004.
gnomAD v4.1: 7 of 1,517,756 alleles (0.00046%); highest among the groups gnomAD compares: Admixed American, 0.0059%; no homozygotes.

Submission:

Labcorp Genetics (formerly Invitae), Labcorp
Classification: Uncertain significance. Last evaluated: 2022-02-28. Review status: criteria provided, single submitter. Criteria: Invitae Variant Classification Sherloc (09022015). Collection method: clinical testing. Allele origin: germline.
Comment: This sequence change replaces serine, which is neutral and polar, with cysteine, which is neutral and slightly polar, at codon 11 of the FAM46A protein (p.Ser11Cys). This variant is present in population databases (rs750122427, gnomAD 0.01%). This variant has not been reported in the literature in individuals affected with FAM46A-related conditions. Algorithms developed to predict the effect of missense changes on protein structure and function are either unavailable or do not agree on the potential impact of this missense change (SIFT: "Deleterious"; PolyPhen-2: "Not Available"; Align-GVGD: "Class C0"). Algorithms developed to predict the effect of sequence changes on RNA splicing suggest that this variant may create or strengthen a splice site. In summary, the available evidence is currently insufficient to determine the role of this variant in disease. Therefore, it has been classified as a Variant of Uncertain Significance.